The following is an entry in ClinVar:

NM_000548.5(TSC2):c.4662+2_4662+6del

Gene: TSC2 (TSC complex subunit 2; plus strand). Cytogenetic location: 16p13.3.
Variant type: Deletion.
Coding change: c.4662+2_4662+6del on transcript NM_000548.5 (MANE Select); the canonical splice donor site of the intron after coding-DNA position 4662 through 6 bases into the intron after coding-DNA position 4662, 5 bases deleted (TGAGG; older notation c.4662+2_4662+6delTGAGG).
Molecular consequence: splice donor variant.
Genome position (GRCh38, 1-based): chr16:2,085,324-2,085,328, TGAGG deleted; deleting any 5 consecutive bases within chr16:2,085,321-2,085,328 gives the same sequence; the c. name uses the placement nearest the transcript's 3' end. VCF-style (leftmost placement, unchanged base first): chr16-2085320-CAGGTG-C. GRCh37 (hg19) VCF-style: chr16-2135321-CAGGTG-C.
Other names: c.4662+2_4662+6delTGAGG (NM_000548.3); c.4593+2_4593+6del (NM_001114382.3); c.4533+2_4533+6del (NM_021055.3, NM_001370405.1); c.4464+2_4464+6del (NM_001363528.2); c.4530+2_4530+6del (NM_001370404.1); c.4461+2_4461+6del (NM_001077183.3); c.4353+2_4353+6del (NM_001318827.2); c.3930+2_3930+6del (NM_001318831.2); and 2 more.
Identifiers: ClinVar variation 207794 (VCV000207794.1), dbSNP rs796053520, ClinGen allele CA319610.

ClinVar aggregate classification (germline): Pathogenic (1 of 4 stars; one submission).

Submission:

GeneDx
Classification: Pathogenic. Last evaluated: 2014-10-13. Review status: criteria provided, single submitter. Criteria: GeneDx Variant Classification (06012015). Collection method: clinical testing. Allele origin: germline. Affected: yes.
Comment: c.4662+2_4662+6delTGAGG: IVS36+2_IVS36+6delTGAGG in intron 36 of the TSC2 gene (NM_000548.3). The normal sequence with the bases that are deleted in braces is: CAGg{tgagg}ctgc (with upper case letters representing exonic sequence and lower case letters for intronic sequence). The c.4662+2_4662+6delTGAGG splice site mutation in the TSC2 gene destroys the canonical splice donor site in intron 36. It is predicted to cause abnormal gene splicing, either leading to an abnormal message that is subject to nonsense-mediated mRNA decay, or to an abnormal protein product if the message is used for protein translation. Although this mutation has not been previously reported to our knowledge, other splice site mutations have been reported in the TSC2 gene in association with tuberous sclerosis (TSC2 LOVD).The variant is found in TUBSC-EPIV2 panel(s).